The following is an entry in ClinVar:

NM_000352.6(ABCC8):c.4524G>A (p.Thr1508=)

Gene: ABCC8 (ATP binding cassette subfamily C member 8; minus strand). Cytogenetic location: 11p15.1.
Variant type: single nucleotide variant.
Coding change: c.4524G>A on transcript NM_000352.6 (MANE Select); coding-DNA position 4524, G replaced by A.
Protein change: p.Thr1508=; no amino-acid change (threonine 1508 retained).
Molecular consequence: synonymous variant. On other transcripts: non-coding transcript variant (1).
Genome position (GRCh38, 1-based): chr11:17,394,287, C>T on the plus strand (G>A on the coding strand, the complement: ABCC8 is on the minus strand). VCF-style: chr11-17394287-C-T. GRCh37 (hg19) VCF-style: chr11-17415834-C-T.
Other names: c.4524G>A (NM_000352.3); c.4527G>A, p.Thr1509= (NM_001287174.3); c.4590G>A, p.Thr1530= (NM_001351295.2); c.4524G>A, p.Thr1508= (NM_001351296.2); c.4521G>A, p.Thr1507= (NM_001351297.2).
Identifiers: ClinVar variation 434036 (VCV000434036.17), dbSNP rs553746345, ClinGen allele CA5902455.
Genomic context (GRCh38, chr11:17,394,287, plus strand): 5'-TTCCAAGACCATGGTCCCATGGAGGGGCCCAGGACCAACCGTGGCCATGTCAATGGAAGC[C>T]GTGGCCTCGTCCATGATGAAGATGCTGGTCTTCCTCACGAAGGCCCGGGCCAGGCAGAAC-3'
Protein context (NP_000343.2, residues 1498-1518): KTSIFIMDEA[Thr1508=]ASIDMATENI

ClinVar aggregate classification (germline): Conflicting classifications of pathogenicity. Review status: criteria provided, conflicting classifications (1 of 4 stars). 5 submissions from 4 submitters: Uncertain significance (2); Likely benign (3). Last evaluated 2026-01-31.

Conditions:
Inborn genetic diseases. Identifiers: MedGen C0950123, MeSH D030342.
Transitory neonatal diabetes mellitus. Also called: Transient neonatal diabetes mellitus. Identifiers: MedGen C0342273, MONDO:0020525, HP:0008255.
Maturity-onset diabetes of the young (MODY). Also called: Maturity onset diabetes mellitus in young. Identifiers: Orphanet 552, MedGen C0342276, MONDO:0018911, HP:0004904.

Allele frequency attached by ClinVar (database versions not stated): gnomAD 0.00001 and 0.00003; TOPMed 0.00001; gnomAD exomes 0.00002 and 0.00003; ExAC 0.00003; 1000 Genomes Project 30x 0.00016; 1000 Genomes Project 0.00020.
gnomAD v4.1: 39 of 1,613,920 alleles (0.0024%); highest among the groups gnomAD compares: South Asian, 0.019%; no homozygotes.

Submissions (5):

Labcorp Genetics (formerly Invitae), Labcorp
Classification: Likely benign. Last evaluated: 2026-01-31. Review status: criteria provided, single submitter. Criteria: Invitae Variant Classification Sherloc (09022015). Collection method: clinical testing. Allele origin: germline.

Ambry Genetics
Classification: Likely benign for Inborn genetic diseases. Last evaluated: 2022-11-14. Review status: criteria provided, single submitter. Criteria: Ambry Variant Classification Scheme 2023. Collection method: clinical testing. Allele origin: germline.

Genetic Services Laboratory, University of Chicago
Classification: Likely benign. Last evaluated: 2016-01-11. Review status: criteria provided, single submitter. Criteria: ACMG Guidelines, 2015. Collection method: clinical testing. Allele origin: germline. Affected: no.

Clinical Genomics, Uppaluri K&H Personalized Medicine Clinic
Classification: Uncertain significance for Transitory neonatal diabetes mellitus. Review status: criteria provided, single submitter. Criteria: K & H Uppaluri Personalized Medicine Clinic Variant Classification & Assertion Criteria_Updated V.1. Collection method: research. Allele origin: somatic. Inheritance: Somatic mutation.
Comment: Mutations in ABCC8 gene are associated with both neonatal diabetes mellitus as well as MODY. Patients with this mutation may have a better response to sulfonylureas. However, no sufficient evidence is found to ascertain the role of this particular variant ( rs553746345) in neonatal diabetes yet.

Clinical Genomics, Uppaluri K&H Personalized Medicine Clinic
Classification: Uncertain significance for Maturity-onset diabetes of the young. Review status: criteria provided, single submitter. Criteria: K & H Uppaluri Personalized Medicine Clinic Variant Classification & Assertion Criteria_Updated V.1. Collection method: research. Allele origin: somatic. Inheritance: Somatic mutation.
Comment: Mutations in ABCC8 gene are associated with both neonatal diabetes mellitus as well as MODY. Patients with this mutation may have a better response to sulfonylureas. However, no sufficient evidence is found to ascertain the role of this particular variant ( rs553746345) in MODY yet.

Literature cited by the submitters: PubMed 16885549 (cited by Clinical Genomics, Uppaluri K&H Personalized Medicine Clinic); PubMed 21989597 (cited by Clinical Genomics, Uppaluri K&H Personalized Medicine Clinic); PubMed 27538677 (cited by Clinical Genomics, Uppaluri K&H Personalized Medicine Clinic); PubMed 18981553 (cited by Clinical Genomics, Uppaluri K&H Personalized Medicine Clinic); PubMed 32027066 (cited by Clinical Genomics, Uppaluri K&H Personalized Medicine Clinic); PubMed 16613899 (cited by Clinical Genomics, Uppaluri K&H Personalized Medicine Clinic); PubMed 18025408 (cited by Clinical Genomics, Uppaluri K&H Personalized Medicine Clinic); PubMed 32792356 (cited by Clinical Genomics, Uppaluri K&H Personalized Medicine Clinic).